The following is an entry in ClinVar:

ClinVar aggregate classification (germline): Pathogenic. Review status: criteria provided, multiple submitters, no conflicts (2 of 4 stars). 3 submissions from 3 submitters: Pathogenic (3). Last evaluated 2024-09-05.

Conditions:
Hereditary breast ovarian cancer syndrome. Also called: Hereditary breast and ovarian cancer syndrome; Hereditary breast and ovarian cancer; Hereditary breast and ovarian cancer syndrome (HBOC); Breast and ovarian cancer; Hereditary breast and/or ovarian cancer syndrome; BRCA1- and BRCA2-Associated Hereditary Breast and Ovarian Cancer. Identifiers: Orphanet 145, MedGen C0677776, MeSH D061325, MONDO:0003582. Disease mechanism: loss of function.
Hereditary cancer-predisposing syndrome. Also called: Neoplastic Syndromes, Hereditary; Tumor predisposition; Hereditary neoplastic syndrome; Hereditary Cancer Syndrome. Identifiers: Orphanet 140162, MedGen C0027672, MeSH D009386, MONDO:0015356.

Submissions (3):

Color Diagnostics, LLC DBA Color Health
Classification: Pathogenic for Hereditary cancer-predisposing syndrome. Last evaluated: 2024-09-05. Review status: criteria provided, single submitter. Criteria: ACMG Guidelines, 2015. Collection method: clinical testing. Allele origin: germline.
Comment: This variant substitutes 7 nucleotides, ACAAAAT, with TCC in exon 11 of the BRCA2 gene, creating a frameshift and premature translation stop signal. This variant is expected to result in an absent or non-functional protein product. To our knowledge, this variant has not been reported in individuals affected with BRCA2-related disorders in the literature. This variant has not been identified in the general population by the Genome Aggregation Database (gnomAD). Loss of BRCA2 function is a known mechanism of disease. Based on the available evidence, this variant is classified as Pathogenic.

Ambry Genetics
Classification: Pathogenic for Hereditary cancer-predisposing syndrome. Last evaluated: 2024-05-06. Review status: criteria provided, single submitter. Criteria: Ambry Variant Classification Scheme 2023. Collection method: clinical testing. Allele origin: germline.
Comment: The c.6297_6303delACAAAATinsTCC pathogenic mutation, located in coding exon 10 of the BRCA2 gene, results from the deletion of 7 nucleotides and insertion of 3 nucleotides causing a translational frameshift with a predicted alternate stop codon (p.R2099Sfs*19). This alteration is expected to result in loss of function by premature protein truncation or nonsense-mediated mRNA decay. As such, this alteration is interpreted as a disease-causing mutation.

Labcorp Genetics (formerly Invitae), Labcorp
Classification: Pathogenic for Hereditary breast ovarian cancer syndrome. Last evaluated: 2024-05-06. Review status: criteria provided, single submitter. Criteria: Invitae Variant Classification Sherloc (09022015). Collection method: clinical testing. Allele origin: germline.
Comment: This sequence change creates a premature translational stop signal (p.Arg2099Serfs*19) in the BRCA2 gene. It is expected to result in an absent or disrupted protein product. Loss-of-function variants in BRCA2 are known to be pathogenic (PMID: 20104584). This variant is not present in population databases (gnomAD no frequency). This variant has not been reported in the literature in individuals affected with BRCA2-related conditions. For these reasons, this variant has been classified as Pathogenic.

Literature cited by the submitters: PubMed 20104584 (cited by Labcorp Genetics (formerly Invitae), Labcorp).

NM_000059.4(BRCA2):c.6297_6303delinsTCC (p.Arg2099fs)

Gene: BRCA2 (BRCA2 DNA repair associated; plus strand). Cytogenetic location: 13q13.1.
Variant type: Indel.
Coding change: c.6297_6303delinsTCC on transcript NM_000059.4 (MANE Select); coding-DNA positions 6297 to 6303, ACAAAAT replaced by TCC.
Protein change: p.Arg2099fs; shifts the reading frame from arginine 2099.
Molecular consequence: frameshift variant.
Genome position (GRCh38, 1-based): chr13:32,340,652-32,340,658, ACAAAAT replaced by TCC. VCF-style: chr13-32340652-ACAAAAT-TCC. GRCh37 (hg19) VCF-style: chr13-32914789-ACAAAAT-TCC.
Other names: c.6297_6303delinsTCC (NM_000059.3); short protein forms R2099fs.
Identifiers: ClinVar variation 826305 (VCV000826305.15), dbSNP rs1593908171, ClinGen allele CA913188550.